The following is an entry in ClinVar:

ClinVar aggregate classification (germline): Uncertain significance (1 of 4 stars; one submission).

gnomAD v4.1: 1 of 1,613,690 alleles (0.000062%); highest among the groups gnomAD compares: Admixed American, 0.0017%; no homozygotes.

Submission:

GeneDx
Classification: Uncertain significance. Last evaluated: 2023-12-18. Review status: criteria provided, single submitter. Criteria: GeneDx Variant Classification Process June 2021. Collection method: clinical testing. Allele origin: germline. Affected: yes.
Comment: Not observed at significant frequency in large population cohorts (gnomAD); In silico analysis supports that this missense variant has a deleterious effect on protein structure/function; Has not been previously published as pathogenic or benign to our knowledge

NM_002454.3(MTRR):c.370T>C (p.Tyr124His)

Gene: MTRR (5-methyltetrahydrofolate-homocysteine methyltransferase reductase; plus strand). Cytogenetic location: 5p15.31.
Variant type: single nucleotide variant.
Coding change: c.370T>C on transcript NM_002454.3 (MANE Select); coding-DNA position 370, T replaced by C.
Protein change: p.Tyr124His; replaces tyrosine 124 with histidine.
Molecular consequence: missense variant. On other transcripts: non-coding transcript variant (14).
Genome position (GRCh38, 1-based): chr5:7,875,344, T>C. VCF-style: chr5-7875344-T-C. GRCh37 (hg19) VCF-style: chr5-7875457-T-C.
Other names: c.370T>C, p.Tyr124His (NM_001364440.2, NM_001364441.2, NM_001364442.2 and 1 more transcripts); short protein forms Y124H.
Identifiers: ClinVar variation 3370021 (VCV003370021.1).